The following is an entry in ClinVar:

NM_003995.4(NPR2):c.601C>T (p.Gln201Ter)

Gene: NPR2 (natriuretic peptide receptor 2; plus strand). Cytogenetic location: 9p13.3.
Variant type: single nucleotide variant.
Coding change: c.601C>T on transcript NM_003995.4 (MANE Select); coding-DNA position 601, C replaced by T.
Protein change: p.Gln201Ter; replaces glutamine 201 with a stop codon.
Molecular consequence: nonsense.
Genome position (GRCh38, 1-based): chr9:35,793,009, C>T. VCF-style: chr9-35793009-C-T. GRCh37 (hg19) VCF-style: chr9-35793006-C-T.
Other names: c.601C>T, p.Gln201Ter (NM_001378923.1); short protein forms Q201*.
Identifiers: ClinVar variation 3026872 (VCV003026872.24), dbSNP rs2491029660, ClinGen allele CA373365530.

ClinVar aggregate classification (germline): Pathogenic. Review status: criteria provided, multiple submitters, no conflicts (2 of 4 stars). 2 submissions from 2 submitters: Pathogenic (2). Last evaluated 2025-04-01.

Conditions:
Short stature with nonspecific skeletal abnormalities. Identifiers: MedGen C4225399, MONDO:0975810.

Submissions (2):

CeGaT Center for Human Genetics Tuebingen
Classification: Pathogenic. Last evaluated: 2025-04-01. Review status: criteria provided, single submitter. Criteria: CeGaT Center For Human Genetics Tuebingen Variant Classification Criteria Version 2. Collection method: clinical testing. Allele origin: germline. Affected: yes. Observed: 2 variant alleles.
Comment: NPR2: PVS1, PM2

Institute of Human Genetics, University of Leipzig Medical Center
Classification: Pathogenic for Short stature with nonspecific skeletal abnormalities 1. Last evaluated: 2024-08-30. Review status: criteria provided, single submitter. Criteria: ACMG Guidelines, 2015. Collection method: clinical testing. Allele origin: maternal. Inheritance: Autosomal dominant inheritance. Affected: yes.
Comment: Criteria applied: PVS1,PM2,PS4_SUP